The following is an entry in ClinVar:

NM_000222.3(KIT):c.1545A>C (p.Gln515His)

Gene: KIT (KIT proto-oncogene, receptor tyrosine kinase; plus strand). Cytogenetic location: 4q12.
Variant type: single nucleotide variant.
Coding change: c.1545A>C on transcript NM_000222.3 (MANE Select); coding-DNA position 1545, A replaced by C.
Protein change: p.Gln515His; replaces glutamine 515 with histidine.
Molecular consequence: missense variant.
Genome position (GRCh38, 1-based): chr4:54,727,222, A>C. VCF-style: chr4-54727222-A-C. GRCh37 (hg19) VCF-style: chr4-55593388-A-C.
Other names: c.1533A>C, p.Gln511His (NM_001093772.2, NM_001385286.1); c.1548A>C, p.Gln516His (NM_001385284.1, NM_001385290.1); c.1545A>C, p.Gln515His (NM_001385285.1); c.1536A>C, p.Gln512His (NM_001385288.1, NM_001385292.1); short protein forms Q515H, Q511H, Q512H, Q516H.
Identifiers: ClinVar variation 858256 (VCV000858256.17), dbSNP rs1722279802, ClinGen allele CA356906856.

ClinVar aggregate classification (germline): Uncertain significance (1 of 4 stars; one submission).

Conditions:
Gastrointestinal stromal tumor. Also called: Gastrointestinal stromal tumor, somatic; Gastrointestinal stroma tumor. Identifiers: Orphanet 44890, MedGen C0238198, MeSH D046152, MONDO:0011719, OMIM 606764, HP:0100723.

Submission:

Labcorp Genetics (formerly Invitae), Labcorp
Classification: Uncertain significance for Gastrointestinal stromal tumor. Last evaluated: 2024-12-14. Review status: criteria provided, single submitter. Criteria: Invitae Variant Classification Sherloc (09022015). Collection method: clinical testing. Allele origin: germline.
Comment: This sequence change replaces glutamine, which is neutral and polar, with histidine, which is basic and polar, at codon 515 of the KIT protein (p.Gln515His). This variant is not present in population databases (gnomAD no frequency). This variant has not been reported in the literature in individuals affected with KIT-related conditions. ClinVar contains an entry for this variant (Variation ID: 858256). An algorithm developed to predict the effect of missense changes on protein structure and function (PolyPhen-2) suggests that this variant is likely to be tolerated. In summary, the available evidence is currently insufficient to determine the role of this variant in disease. Therefore, it has been classified as a Variant of Uncertain Significance.